The following is an entry in ClinVar:

ClinVar aggregate classification (germline): Uncertain significance (1 of 4 stars; one submission).

Conditions:
Niemann-Pick disease, type C1. Also called: NEUROVISCERAL STORAGE DISEASE WITH VERTICAL SUPRANUCLEAR OPHTHALMOPLEGIA; NIEMANN-PICK DISEASE WITH CHOLESTEROL ESTERIFICATION BLOCK; NIEMANN-PICK DISEASE WITHOUT SPHINGOMYELINASE DEFICIENCY; NIEMANN-PICK DISEASE, CHRONIC NEURONOPATHIC FORM; NIEMANN-PICK DISEASE, VARIANT TYPE C1. Identifiers: Orphanet 646, MedGen C3179455, MONDO:0009757, OMIM 257220.

Allele frequency attached by ClinVar (database versions not stated): gnomAD exomes below 0.00001.
gnomAD v4.1: 4 of 1,614,124 alleles (0.00025%); highest among the groups gnomAD compares: East Asian, 0.0045%; no homozygotes.

Submission:

Labcorp Genetics (formerly Invitae), Labcorp
Classification: Uncertain significance for Niemann-Pick disease, type C1. Last evaluated: 2022-01-21. Review status: criteria provided, single submitter. Criteria: Invitae Variant Classification Sherloc (09022015). Collection method: clinical testing. Allele origin: germline.
Comment: This sequence change replaces threonine, which is neutral and polar, with alanine, which is neutral and non-polar, at codon 204 of the NPC1 protein (p.Thr204Ala). This variant is not present in population databases (gnomAD no frequency). This variant has not been reported in the literature in individuals affected with NPC1-related conditions. Advanced modeling of protein sequence and biophysical properties (such as structural, functional, and spatial information, amino acid conservation, physicochemical variation, residue mobility, and thermodynamic stability) performed at Invitae indicates that this missense variant is not expected to disrupt NPC1 protein function. In summary, the available evidence is currently insufficient to determine the role of this variant in disease. Therefore, it has been classified as a Variant of Uncertain Significance.

NM_000271.5(NPC1):c.610A>G (p.Thr204Ala)

Gene: NPC1 (NPC intracellular cholesterol transporter 1; minus strand). Cytogenetic location: 18q11.2.
Variant type: single nucleotide variant.
Coding change: c.610A>G on transcript NM_000271.5 (MANE Select); coding-DNA position 610, A replaced by G.
Protein change: p.Thr204Ala; replaces threonine 204 with alanine.
Molecular consequence: missense variant.
Genome position (GRCh38, 1-based): chr18:23,561,381, T>C on the plus strand (A>G on the coding strand, the complement: NPC1 is on the minus strand). VCF-style: chr18-23561381-T-C. GRCh37 (hg19) VCF-style: chr18-21141345-T-C.
Other names: short protein forms T204A.
Identifiers: ClinVar variation 2143290 (VCV002143290.1), dbSNP rs1567970363, ClinGen allele CA401782114.